The following is an entry in ClinVar:

NM_002900.3(RBP3):c.955A>T (p.Ile319Phe)

Gene: RBP3 (retinol binding protein 3; plus strand). Cytogenetic location: 10q11.22.
Variant type: single nucleotide variant.
Coding change: c.955A>T on transcript NM_002900.3 (MANE Select); coding-DNA position 955, A replaced by T.
Protein change: p.Ile319Phe; replaces isoleucine 319 with phenylalanine.
Molecular consequence: missense variant.
Genome position (GRCh38, 1-based): chr10:47,349,439, A>T. VCF-style: chr10-47349439-A-T. GRCh37 (hg19) VCF-style: chr10-48389923-T-A.
Other names: short protein forms I319F.
Identifiers: ClinVar variation 2091379 (VCV002091379.4), dbSNP rs968129269, ClinGen allele CA376667363.

ClinVar aggregate classification (germline): Uncertain significance (1 of 4 stars; one submission).

Submission:

Labcorp Genetics (formerly Invitae), Labcorp
Classification: Uncertain significance. Last evaluated: 2022-09-27. Review status: criteria provided, single submitter. Criteria: Invitae Variant Classification Sherloc (09022015). Collection method: clinical testing. Allele origin: germline.
Comment: This variant has not been reported in the literature in individuals affected with RBP3-related conditions. Algorithms developed to predict the effect of missense changes on protein structure and function are either unavailable or do not agree on the potential impact of this missense change (SIFT: "Deleterious"; PolyPhen-2: "Possibly Damaging"; Align-GVGD: "Class C0"). In summary, the available evidence is currently insufficient to determine the role of this variant in disease. Therefore, it has been classified as a Variant of Uncertain Significance. This variant is not present in population databases (gnomAD no frequency). This sequence change replaces isoleucine, which is neutral and non-polar, with phenylalanine, which is neutral and non-polar, at codon 319 of the RBP3 protein (p.Ile319Phe).